The following is an entry in ClinVar:

ClinVar aggregate classification (germline): Uncertain significance (1 of 4 stars; one submission).

Submission:

GeneDx
Classification: Uncertain significance. Last evaluated: 2025-01-14. Review status: criteria provided, single submitter. Criteria: GeneDx Variant Classification Process June 2021. Collection method: clinical testing. Allele origin: germline. Affected: yes.
Comment: Not observed at significant frequency in large population cohorts (gnomAD); In silico analysis supports that this missense variant has a deleterious effect on protein structure/function; Has not been previously published as pathogenic or benign to our knowledge

NM_001378477.3(NYX):c.193G>T (p.Asp65Tyr)

Gene: NYX (nyctalopin; plus strand). Cytogenetic location: Xp11.4.
Variant type: single nucleotide variant.
Coding change: c.193G>T on transcript NM_001378477.3 (MANE Select); coding-DNA position 193, G replaced by T.
Protein change: p.Asp65Tyr; replaces aspartic acid 65 with tyrosine.
Molecular consequence: missense variant.
Genome position (GRCh38, 1-based): chrX:41,473,661, G>T. VCF-style: chrX-41473661-G-T. GRCh37 (hg19) VCF-style: chrX-41332914-G-T.
Other names: c.193G>T, p.Asp65Tyr (NM_022567.3); short protein forms D65Y.
Identifiers: ClinVar variation 3377892 (VCV003377892.2).